The following is an entry in ClinVar:

NM_001363066.2(CLDN5):c.20A>C (p.Glu7Ala)

Gene: CLDN5 (claudin 5; minus strand). Cytogenetic location: 22q11.21.
Variant type: single nucleotide variant.
Coding change: c.20A>C on transcript NM_001363066.2 (MANE Select); coding-DNA position 20, A replaced by C.
Protein change: p.Glu7Ala; replaces glutamic acid 7 with alanine.
Molecular consequence: missense variant.
Genome position (GRCh38, 1-based): chr22:19,524,236, T>G on the plus strand (A>C on the coding strand, the complement: CLDN5 is on the minus strand). VCF-style: chr22-19524236-T-G. GRCh37 (hg19) VCF-style: chr22-19511759-T-G.
Other names: c.275A>C, p.Glu92Ala (NM_001363067.2, NM_003277.4, NM_001130861.1); short protein forms E7A, E92A.
Identifiers: ClinVar variation 4869016 (VCV004869016.1).

ClinVar aggregate classification (germline): Uncertain significance (1 of 4 stars; one submission).

Conditions:
Inborn genetic diseases. Identifiers: MedGen C0950123, MeSH D030342.

gnomAD v4.1: 1 of 1,587,448 alleles (0.000063%); highest among the groups gnomAD compares: Non-Finnish European, 0.000086%; no homozygotes.

Submission:

Ambry Genetics
Classification: Uncertain significance for Inborn genetic diseases. Last evaluated: 2026-06-04. Review status: criteria provided, single submitter. Criteria: Ambry Variant Classification Scheme 2023. Collection method: clinical testing. Allele origin: germline.
Comment: The c.275A>C (p.E92A) alteration is located in exon 1 (coding exon 1) of the CLDN5 gene. This alteration results from a A to C substitution at nucleotide position 275, causing the glutamic acid (E) at amino acid position 92 to be replaced by an alanine (A). Based on data from gnomAD, the C allele has an overall frequency of <0.001% (0/200366) total alleles studied. The highest observed frequency was <0.001% (/) of alleles. Based on insufficient or conflicting evidence, the clinical significance of this alteration remains unclear.